The following is an entry in ClinVar:

NM_000051.4(ATM):c.5945A>G (p.Gln1982Arg)

Genes: ATM (ATM serine/threonine kinase; plus strand), C11orf65 (chromosome 11 open reading frame 65; minus strand). Cytogenetic location: 11q22.3.
Variant type: single nucleotide variant.
Coding change: c.5945A>G on transcript NM_000051.4 (MANE Select); coding-DNA position 5945, A replaced by G.
Protein change: p.Gln1982Arg; replaces glutamine 1982 with arginine.
Molecular consequence: missense variant. On other transcripts: intron variant (2).
Genome position (GRCh38, 1-based): chr11:108,312,437, A>G. VCF-style: chr11-108312437-A-G. GRCh37 (hg19) VCF-style: chr11-108183164-A-G.
Other names: p.Gln1982Arg; c.5945A>G, p.Gln1982Arg (NM_001351834.2); c.641-3366T>C (NM_001330368.2); c.*39-3366T>C (NM_001351110.2); short protein forms Q1982R.
Identifiers: ClinVar variation 141800 (VCV000141800.82), dbSNP rs543980602, ClinGen allele CA166457.

ClinVar aggregate classification (germline): Uncertain significance. Review status: criteria provided, multiple submitters, no conflicts (2 of 4 stars). 12 submissions from 12 submitters: Uncertain significance (11). 1 of the submissions does not count toward it. Last evaluated 2026-10-14.

Conditions:
ATM-related disorder. Also called: ATM-related disorders; ATM-related condition.
Hereditary cancer-predisposing syndrome. Also called: Neoplastic Syndromes, Hereditary; Hereditary Cancer Syndrome; Tumor predisposition; Hereditary neoplastic syndrome. Identifiers: Orphanet 140162, MedGen C0027672, MeSH D009386, MONDO:0015356.
Ataxia-telangiectasia syndrome (AT). Also called: Ataxia-telangiectasia, complementation group D; AT, COMPLEMENTATION GROUP C; Ataxia-telangiectasia; ATAXIA-TELANGIECTASIA, COMPLEMENTATION GROUP A; ATAXIA-TELANGIECTASIA, FRESNO VARIANT; Ataxia-telangiectasia, complementation group E. Identifiers: Orphanet 100, MedGen C0004135, MONDO:0008840, OMIM 208900.
Familial cancer of breast. Also called: BREAST CANCER, FAMILIAL; hereditary breast carcinoma; Hereditary breast cancer. Identifiers: Orphanet 227535, MedGen C0346153, MONDO:0016419, OMIM 114480. Disease mechanism: loss of function.

Allele frequency attached by ClinVar (database versions not stated): 1000 Genomes Project 0.00020; gnomAD exomes 0.00001 and 0.00004; gnomAD 0.00002 and 0.00001; 1000 Genomes Project 30x 0.00016; TOPMed 0.00001; ExAC 0.00002.
gnomAD v4.1: 20 of 1,597,350 alleles (0.0013%); highest among the groups gnomAD compares: East Asian, 0.036%; no homozygotes.

Submissions (12):

GeneDx
Classification: Uncertain significance. Last evaluated: 2026-10-14. Review status: criteria provided, single submitter. Criteria: GeneDx Variant Classification Process June 2021. Collection method: clinical testing. Allele origin: germline.
Comment: Identified in individuals with breast or ovarian cancer and also in unaffected controls (PMID: 19781682, 33471991, 32068069, 28569743, 32091409); Published functional studies demonstrate ability to phosphorylate KAP1 comparable to wild type (PMID: 40105422); In silico analysis suggests that this missense variant does not alter protein structure/function; This variant is associated with the following publications: (PMID: 28256603, 12935933, 28569743, 32091409, 32068069, 33471991, 19781682, 25151137, 23532176, 40105422)

PreventionGenetics, part of Exact Sciences
Classification: Uncertain significance for ATM-related condition. Last evaluated: 2026-04-07. Review status: criteria provided, single submitter. Criteria: ACMG Guidelines, 2015. Collection method: clinical testing. Allele origin: germline.
Comment: The ATM c.5945A>G variant is predicted to result in the amino acid substitution p.Gln1982Arg. This variant has been reported in the literature in a cohort of breast cancer patients, an individual with cancer that was unspecified, and two controls in breast cancer studies (Kwong et al. 2020. PubMed ID: 32068069; Guan et al. 2015. PubMed ID: 25151137; Tavtigian et al. 2009. PubMed ID: 19781682). This variant is reported in 0.054% of alleles in individuals of East Asian descent in gnomAD. This variant is classified as uncertain in ClinVar (Variation ID: 141800). At this time, the clinical significance of this variant is uncertain due to the absence of conclusive functional and genetic evidence.

CeGaT Center for Human Genetics Tuebingen
Classification: Uncertain significance. Last evaluated: 2026-01-01. Review status: criteria provided, single submitter. Criteria: CeGaT Center For Human Genetics Tuebingen Variant Classification Criteria Version 2. Collection method: clinical testing. Allele origin: germline. Affected: yes. Observed: 3 variant alleles.
Comment: ATM: PM2, BP4

Labcorp Genetics (formerly Invitae), Labcorp
Classification: Uncertain significance for Ataxia-telangiectasia syndrome. Last evaluated: 2025-02-02. Review status: criteria provided, single submitter. Criteria: Invitae Variant Classification Sherloc (09022015). Collection method: clinical testing. Allele origin: germline.
Comment: This sequence change replaces glutamine, which is neutral and polar, with arginine, which is basic and polar, at codon 1982 of the ATM protein (p.Gln1982Arg). This variant is present in population databases (rs543980602, gnomAD 0.05%). This missense change has been observed in individual(s) with a personal or family history of breast or ovarian cancer and/or unspecified cancer (PMID: 25151137, 32068069). ClinVar contains an entry for this variant (Variation ID: 141800). Invitae Evidence Modeling of protein sequence and biophysical properties (such as structural, functional, and spatial information, amino acid conservation, physicochemical variation, residue mobility, and thermodynamic stability) indicates that this missense variant is not expected to disrupt ATM protein function with a negative predictive value of 95%. In summary, the available evidence is currently insufficient to determine the role of this variant in disease. Therefore, it has been classified as a Variant of Uncertain Significance.

Ambry Genetics
Classification: Uncertain significance for Hereditary cancer-predisposing syndrome. Last evaluated: 2024-10-28. Review status: criteria provided, single submitter. Criteria: Ambry Variant Classification Scheme 2023. Collection method: clinical testing. Allele origin: germline.
Comment: The p.Q1982R variant (also known as c.5945A>G), located in coding exon 39 of the ATM gene, results from an A to G substitution at nucleotide position 5945. The glutamine at codon 1982 is replaced by arginine, an amino acid with highly similar properties. This variant was detected in 0/4112 breast cancer patients and 1/2399 healthy control individuals across numerous studies (Tavtigian S et al. Am. J .Hum. Genet. 2009 Oct;85:427-46). This alteration was identified in a cohort of 1338 Chinese high-risk breast cancer patients (Kwong A et al. J Mol Diagn, 2020 Apr;22:544-554). This amino acid position is highly conserved in available vertebrate species. In addition, this alteration is predicted to be tolerated by in silico analysis. Based on the available evidence, the clinical significance of this variant remains unclear.

Mayo Clinic Laboratories, Mayo Clinic
Classification: Uncertain significance. Last evaluated: 2024-06-10. Review status: criteria provided, single submitter. Criteria: ACMG Guidelines, 2015. Collection method: clinical testing. Allele origin: germline. Observed: 1 variant allele.

Women's Health and Genetics/Laboratory Corporation of America, LabCorp
Classification: Uncertain significance. Last evaluated: 2024-03-29. Review status: criteria provided, single submitter. Criteria: LabCorp Variant Classification Summary - May 2015. Collection method: clinical testing. Allele origin: germline.
Comment: Variant summary: ATM c.5945A>G (p.Gln1982Arg) results in a conservative amino acid change located in the PIK-related kinase (IPR014009) of the encoded protein sequence. Three of five in-silico tools predict a damaging effect of the variant on protein function. The variant allele was found at a frequency of 4e-05 in 251190 control chromosomes. This frequency is not significantly higher than estimated for a pathogenic variant in ATM causing Ataxia-Telangiectasia (4e-05 vs 0.004), allowing no conclusion about variant significance. c.5945A>G has been reported in the literature as a VUS in settings of multigene panel testing among individuals affected with breast and/or ovarian cancers (example, Guan_2015, Kwong_2020). These report(s) do not provide unequivocal conclusions about association of the variant with Ataxia-Telangiectasia/ATM-related cancers. To our knowledge, no experimental evidence demonstrating an impact on protein function has been reported. The following publications have been ascertained in the context of this evaluation (PMID: 25151137, 32068069). ClinVar contains an entry for this variant (Variation ID: 141800). Based on the evidence outlined above, the variant was classified as uncertain significance.

Baylor Genetics
Classification: Uncertain significance for Familial cancer of breast. Last evaluated: 2024-01-27. Review status: criteria provided, single submitter. Criteria: ACMG Guidelines, 2015. Collection method: clinical testing. Allele origin: unknown.

Color Diagnostics, LLC DBA Color Health
Classification: Uncertain significance for Hereditary cancer-predisposing syndrome. Last evaluated: 2023-10-10. Review status: criteria provided, single submitter. Criteria: ACMG Guidelines, 2015. Collection method: clinical testing. Allele origin: germline.
Comment: This missense variant replaces glutamine with arginine at codon 1982 of the ATM protein. Computational prediction suggests that this variant may not impact protein structure and function (internally defined REVEL score threshold <= 0.5, PMID: 27666373). To our knowledge, functional studies have not been reported for this variant. This variant has been reported in individuals affected with breast cancer (PMID: cases: 12935933, 32068069, 33471991), and in unaffected controls (PMID: 19781682, 33471991). This variant has also been identified in 10/251190 chromosomes in the general population by the Genome Aggregation Database (gnomAD). The available evidence is insufficient to determine the role of this variant in disease conclusively. Therefore, this variant is classified as a Variant of Uncertain Significance.

Department of Pathology and Laboratory Medicine, Sinai Health System
Classification: Uncertain significance for Familial cancer of breast. Last evaluated: 2022-02-28. Review status: criteria provided, single submitter. Criteria: ACMG Guidelines, 2015. Collection method: clinical testing. Allele origin: germline. Affected: yes.

Sema4
Classification: Uncertain significance for Hereditary cancer-predisposing syndrome. Last evaluated: 2021-09-18. Review status: criteria provided, single submitter. Criteria: Sema4 Curation Guidelines. Collection method: curation. Allele origin: germline.
Comment: The ATM c.5945A>G (p.Q1982R) variant has been reported in individuals with breast cancer and unspecified cancer, as well as in controls (PMID: 25151137, 32068069, 33471991). It was observed in 10/18392 chromosomes of the East Asian subpopulation in the large and broad cohorts of the Genome Aggregation Database (PMID: 32461654). The variant has been reported in ClinVar (Variation ID: 141800). Functional studies have not been performed, and in silico predictions of the variant's effect on protein function are inconclusive. The evidence is insufficient to meet ACMG/AMP criteria for classifying the variant as benign or pathogenic. Thus, the clinical significance of this variant is currently uncertain.

Natera, Inc.
Classification: Uncertain significance for Ataxia-telangiectasia. Last evaluated: 2020-09-16. Review status: no assertion criteria provided. Collection method: clinical testing. Allele origin: germline. Not counted in ClinVar's aggregate classification.

Literature cited by the submitters: PubMed 25151137 (cited by 5 submitters); PubMed 32068069 (cited by 5 submitters); PubMed 12935933 (cited by Color Diagnostics, LLC DBA Color Health); PubMed 19781682 (cited by Color Diagnostics, LLC DBA Color Health and Department of Pathology and Laboratory Medicine, Sinai Health System); PubMed 33471991 (cited by Color Diagnostics, LLC DBA Color Health and Sema4).